The following is an entry in ClinVar:

NM_015100.4(POGZ):c.1937T>C (p.Val646Ala)

Gene: POGZ (pogo transposable element derived with ZNF domain; minus strand). Cytogenetic location: 1q21.3.
Variant type: single nucleotide variant.
Coding change: c.1937T>C on transcript NM_015100.4 (MANE Select); coding-DNA position 1937, T replaced by C.
Protein change: p.Val646Ala; replaces valine 646 with alanine.
Molecular consequence: missense variant.
Genome position (GRCh38, 1-based): chr1:151,408,818, A>G on the plus strand (T>C on the coding strand, the complement: POGZ is on the minus strand). VCF-style: chr1-151408818-A-G. GRCh37 (hg19) VCF-style: chr1-151381294-A-G.
Other names: c.1910T>C, p.Val637Ala (NM_001194937.2); c.1751T>C, p.Val584Ala (NM_001194938.2); c.1652T>C, p.Val551Ala (NM_145796.4); c.1778T>C, p.Val593Ala (NM_207171.2); short protein forms V551A, V584A, V593A, V637A, V646A.
Identifiers: ClinVar variation 1307928 (VCV001307928.2), dbSNP rs2102169224, ClinGen allele CA341960396.

ClinVar aggregate classification (germline): Uncertain significance (1 of 4 stars; one submission).

Submission:

GeneDx
Classification: Uncertain significance. Last evaluated: 2019-08-19. Review status: criteria provided, single submitter. Criteria: GeneDx Variant Classification Process June 2021. Collection method: clinical testing. Allele origin: germline. Affected: yes.
Comment: Not observed in large population cohorts (Lek et al., 2016); In silico analysis, which includes protein predictors and evolutionary conservation, supports a deleterious effect; Has not been previously published as pathogenic or benign to our knowledge